The following is an entry in ClinVar:

NM_002354.3(EPCAM):c.932A>C (p.Glu311Ala)

Gene: EPCAM (epithelial cell adhesion molecule; plus strand). Cytogenetic location: 2p21.
Variant type: single nucleotide variant.
Coding change: c.932A>C on transcript NM_002354.3 (MANE Select); coding-DNA position 932, A replaced by C.
Protein change: p.Glu311Ala; replaces glutamic acid 311 with alanine.
Molecular consequence: missense variant.
Genome position (GRCh38, 1-based): chr2:47,386,600, A>C. VCF-style: chr2-47386600-A-C. GRCh37 (hg19) VCF-style: chr2-47613739-A-C.
Other names: short protein forms E311A.
Identifiers: ClinVar variation 4834784 (VCV004834784.1).

ClinVar aggregate classification (germline): Uncertain significance (1 of 4 stars; one submission).

Conditions:
Hereditary cancer-predisposing syndrome. Also called: Neoplastic Syndromes, Hereditary; Tumor predisposition; Hereditary Cancer Syndrome; Hereditary neoplastic syndrome. Identifiers: Orphanet 140162, MedGen C0027672, MeSH D009386, MONDO:0015356.

Submission:

Ambry Genetics
Classification: Uncertain significance for Hereditary cancer-predisposing syndrome. Last evaluated: 2026-01-11. Review status: criteria provided, single submitter. Criteria: Ambry Variant Classification Scheme 2023. Collection method: clinical testing. Allele origin: germline.
Comment: The p.E311A variant (also known as c.932A>C), located in coding exon 9 of the EPCAM gene, results from an A to C substitution at nucleotide position 932. The glutamic acid at codon 311 is replaced by alanine, an amino acid with dissimilar properties. This amino acid position is conserved. In addition, this alteration is predicted to be tolerated by in silico analysis. Based on the available evidence, the clinical significance of this variant remains unclear.